The following is an entry in ClinVar:

NM_001166114.2(PNPLA6):c.796-3C>T

Gene: PNPLA6 (patatin like domain 6, lysophospholipase; plus strand). Cytogenetic location: 19p13.2.
Variant type: single nucleotide variant.
Coding change: c.796-3C>T on transcript NM_001166114.2 (MANE Select); 3 bases into the intron before coding-DNA position 796, C replaced by T.
Molecular consequence: intron variant.
Genome position (GRCh38, 1-based): chr19:7,540,920, C>T. VCF-style: chr19-7540920-C-T. GRCh37 (hg19) VCF-style: chr19-7605806-C-T.
Other names: c.679-3C>T (NM_006702.5, NM_001166112.2, NM_001166113.1); c.823-3C>T (NM_001166111.2).
Identifiers: ClinVar variation 1416409 (VCV001416409.6), dbSNP rs756266429, ClinGen allele CA9139585.

ClinVar aggregate classification (germline): Conflicting classifications of pathogenicity. Review status: criteria provided, conflicting classifications (1 of 4 stars). 2 submissions from 2 submitters: Uncertain significance (1); Likely benign (1). Last evaluated 2022-10-25.

Conditions:
Hereditary spastic paraplegia 39 (SPG39). Also called: SPASTIC PARAPLEGIA 39, AUTOSOMAL RECESSIVE; Spastic Paraplegia Type 39 (SPG39). Identifiers: Orphanet 139480, MedGen C2677586, MONDO:0012787, OMIM 612020.

Allele frequency attached by ClinVar (database versions not stated): ExAC 0.00001; gnomAD 0.00002 and 0.00003; TOPMed 0.00002.

Submissions (2):

Labcorp Genetics (formerly Invitae), Labcorp
Classification: Uncertain significance for Hereditary spastic paraplegia 39. Last evaluated: 2022-10-25. Review status: criteria provided, single submitter. Criteria: Invitae Variant Classification Sherloc (09022015). Collection method: clinical testing. Allele origin: germline.
Comment: ClinVar contains an entry for this variant (Variation ID: 1416409). Variants that disrupt the consensus splice site are a relatively common cause of aberrant splicing (PMID: 17576681, 9536098). Algorithms developed to predict the effect of sequence changes on RNA splicing suggest that this variant is not likely to affect RNA splicing. In summary, the available evidence is currently insufficient to determine the role of this variant in disease. Therefore, it has been classified as a Variant of Uncertain Significance. This variant has not been reported in the literature in individuals affected with PNPLA6-related conditions. This sequence change falls in intron 9 of the PNPLA6 gene. It does not directly change the encoded amino acid sequence of the PNPLA6 protein. It affects a nucleotide within the consensus splice site. This variant is present in population databases (rs756266429, gnomAD 0.03%).

Blueprint Genetics
Classification: Likely benign. Last evaluated: 2021-08-17. Review status: criteria provided, single submitter. Criteria: ACMG Guidelines, 2015. Collection method: clinical testing. Allele origin: germline.

Literature cited by the submitters: PubMed 17576681 (cited by Labcorp Genetics (formerly Invitae), Labcorp); PubMed 9536098 (cited by Labcorp Genetics (formerly Invitae), Labcorp).